The following is an entry in ClinVar:

ClinVar aggregate classification (germline): Uncertain significance (1 of 4 stars; one submission).

Submission:

Labcorp Genetics (formerly Invitae), Labcorp
Classification: Uncertain significance. Last evaluated: 2026-01-21. Review status: criteria provided, single submitter. Criteria: Invitae Variant Classification Sherloc (09022015). Collection method: clinical testing. Allele origin: germline.
Comment: This sequence change replaces proline, which is neutral and non-polar, with leucine, which is neutral and non-polar, at codon 436 of the POLE protein (p.Pro436Leu). This variant is not present in population databases (gnomAD no frequency). This variant has not been reported in the literature in individuals affected with POLE-related conditions. ClinVar contains an entry for this variant (Variation ID: 1970627). Invitae Evidence Modeling of protein sequence and biophysical properties (such as structural, functional, and spatial information, amino acid conservation, physicochemical variation, residue mobility, and thermodynamic stability) indicates that this missense variant is expected to disrupt POLE protein function with a positive predictive value of 80%. This variant disrupts the p.Pro436 amino acid residue in POLE. Other variant(s) that disrupt this residue have been determined to be pathogenic (PMID: 25224212, 30608896; internal data). This suggests that this residue is clinically significant, and that variants that disrupt this residue are likely to be disease-causing. In summary, the available evidence is currently insufficient to determine the role of this variant in disease. Therefore, it has been classified as a Variant of Uncertain Significance.

Literature cited by the submitters: PubMed 25224212; PubMed 30608896.

NM_006231.4(POLE):c.1307C>T (p.Pro436Leu)

Gene: POLE (DNA polymerase epsilon, catalytic subunit; minus strand). Cytogenetic location: 12q24.33.
Variant type: single nucleotide variant.
Coding change: c.1307C>T on transcript NM_006231.4 (MANE Select); coding-DNA position 1307, C replaced by T.
Protein change: p.Pro436Leu; replaces proline 436 with leucine.
Molecular consequence: missense variant.
Genome position (GRCh38, 1-based): chr12:132,673,627, G>A on the plus strand (C>T on the coding strand, the complement: POLE is on the minus strand). VCF-style: chr12-132673627-G-A. GRCh37 (hg19) VCF-style: chr12-133250213-G-A.
Other names: short protein forms P436L.
Identifiers: ClinVar variation 1970627 (VCV001970627.5), dbSNP rs864622766, ClinGen allele CA387359359.